The following is an entry in ClinVar:

ClinVar aggregate classification (germline): Likely pathogenic (1 of 4 stars; one submission).

Conditions:
Renal hypodysplasia/aplasia 3 (RHDA3). Identifiers: MedGen C4540497, MONDO:0024520, OMIM 617805.

Submission:

Juno Genomics, Hangzhou Juno Genomics, Inc
Classification: Likely pathogenic for Renal hypodysplasia/aplasia 3. Review status: criteria provided, single submitter. Criteria: ACMG Guidelines, 2015. Collection method: clinical testing. Allele origin: germline.
Comment: Absent from controls (or at extremely low frequency if recessive) in Genome Aggregation Database.;Null variant in a gene where loss of function (LOF) is a known mechanism of disease.

NM_001142966.3(GREB1L):c.3682del (p.Leu1228fs)

Gene: GREB1L (GREB1 like retinoic acid receptor coactivator; plus strand). Cytogenetic location: 18q11.2.
Variant type: Deletion.
Coding change: c.3682del on transcript NM_001142966.3 (MANE Select); coding-DNA position 3682, one base deleted (C; older notation c.3682delC).
Protein change: p.Leu1228fs; shifts the reading frame from leucine 1228.
Molecular consequence: frameshift variant.
Genome position (GRCh38, 1-based): chr18:21,500,019, C deleted; the last of 3 consecutive C bases (chr18:21,500,017-21,500,019); deleting any one gives the same sequence. VCF-style (leftmost placement, unchanged base first): chr18-21500016-GC-G. GRCh37 (hg19) VCF-style: chr18-19079977-GC-G.
Other names: c.3811del, p.Leu1271fs (NM_001410867.1); c.3355del, p.Leu1119fs (NM_001410868.1); short protein forms L1119fs, L1228fs, L1271fs.
Identifiers: ClinVar variation 5019021 (VCV005019021.2).